The following is an entry in ClinVar:

NM_016203.4(PRKAG2):c.554A>T (p.Glu185Val)

Gene: PRKAG2 (protein kinase AMP-activated non-catalytic subunit gamma 2; minus strand). Cytogenetic location: 7q36.1.
Variant type: single nucleotide variant.
Coding change: c.554A>T on transcript NM_016203.4 (MANE Select); coding-DNA position 554, A replaced by T.
Protein change: p.Glu185Val; replaces glutamic acid 185 with valine.
Molecular consequence: missense variant.
Genome position (GRCh38, 1-based): chr7:151,675,550, T>A on the plus strand (A>T on the coding strand, the complement: PRKAG2 is on the minus strand). VCF-style: chr7-151675550-T-A. GRCh37 (hg19) VCF-style: chr7-151372636-T-A.
Other names: c.422A>T, p.Glu141Val (NM_001040633.2); c.182A>T, p.Glu61Val (NM_001304527.2, NM_001363698.2); short protein forms E185V, E61V, E141V.
Identifiers: ClinVar variation 45724 (VCV000045724.22), dbSNP rs397517274, ClinGen allele CA014332.

ClinVar aggregate classification (germline): Conflicting classifications of pathogenicity. Review status: criteria provided, conflicting classifications (1 of 4 stars). 7 submissions from 7 submitters: Uncertain significance (6); Likely benign (1). Last evaluated 2026-06-16.

Conditions:
PRKAG2-related disorder. Also called: PRKAG2-related disorders; PRKAG2-related condition.
Cardiomyopathy (CMYO). Also called: Cardiomyopathies. Identifiers: Orphanet 167848, MedGen C0878544, MONDO:0004994, HP:0001638. Inheritance: Various modes of inheritance.
Lethal congenital glycogen storage disease of heart. Also called: GLYCOGEN STORAGE DISEASE OF HEART; PHOSPHORYLASE KINASE DEFICIENCY OF HEART. Identifiers: Orphanet 439854, MedGen C1849813, MONDO:0009867, OMIM 261740.
Hypertrophic cardiomyopathy. Also called: HYPERTROPHIC MYOCARDIOPATHY. Identifiers: Orphanet 217569, MedGen C0007194, MeSH D002312, MONDO:0005045, HP:0001639.

Allele frequency attached by ClinVar (database versions not stated): gnomAD 0.00003; gnomAD exomes 0.00004 and 0.00001; TOPMed 0.00014; ExAC 0.00002.
gnomAD v4.1: 30 of 1,614,000 alleles (0.0019%); highest among the groups gnomAD compares: Admixed American, 0.028%; no homozygotes.

Submissions (7):

PreventionGenetics, part of Exact Sciences
Classification: Uncertain significance for PRKAG2-related condition. Last evaluated: 2026-06-16. Review status: criteria provided, single submitter. Criteria: ACMG Guidelines, 2015. Collection method: clinical testing. Allele origin: germline.
Comment: The PRKAG2 c.554A>T variant is predicted to result in the amino acid substitution p.Glu185Val. This variant has been reported in individuals with cardiomyopathy (Supplemental Table 2, Lopez-Sainz et al. 2020. PubMed ID: 32646569; Table S7, Pottinger et al. 2020. PubMed ID: 32009526) and was reported in a cohort of individuals with sudden unexpected death (Subbotina et al. 2019. PubMed ID: 30878466). This variant is reported in 0.026% of alleles in individuals of Latino descent in gnomAD. At this time, the clinical significance of this variant is uncertain due to the absence of conclusive functional and genetic evidence.

Labcorp Genetics (formerly Invitae), Labcorp
Classification: Likely benign for Lethal congenital glycogen storage disease of heart. Last evaluated: 2025-10-13. Review status: criteria provided, single submitter. Criteria: Invitae Variant Classification Sherloc (09022015). Collection method: clinical testing. Allele origin: germline.

ARUP Laboratories, Molecular Genetics and Genomics, ARUP Laboratories
Classification: Uncertain significance. Last evaluated: 2024-10-22. Review status: criteria provided, single submitter. Criteria: ARUP Molecular Germline Variant Investigation Process 2024. Collection method: clinical testing. Allele origin: germline.
Comment: The PRKAG2 c.554A>T; p.Glu185Val variant (rs397517274, ClinVar Variation ID: 45724) is reported in the literature in individuals affected with cardiomyopathy and in a sudden infant death (Lopez-Sainz 2020, Pottinger 2020, Subbotina 2019). This variant is found in the general population with an overall allele frequency of 0.004% (11/251,486 alleles) in the Genome Aggregation Database (v2.1.1). Computational analyses are uncertain whether this variant is neutral or deleterious (REVEL: 0.491). Due to limited information, the clinical significance of this variant is uncertain at this time. References: Lopez-Sainz A et al. Clinical Features and Natural History of PRKAG2 Variant Cardiac Glycogenosis. J Am Coll Cardiol. 2020 Jul 14;76(2):186-197. PMID: 32646569. Pottinger TD et al. Pathogenic and Uncertain Genetic Variants Have Clinical Cardiac Correlates in Diverse Biobank Participants. J Am Heart Assoc. 2020 Feb 4;9(3):e013808. PMID: 32009526. Subbotina E et al. Functional characterization of ABCC9 variants identified in sudden unexpected natural death. Forensic Sci Int. 2019 May;298:80-87. PMID: 30878466.

All of Us Research Program, National Institutes of Health
Classification: Uncertain significance for Hypertrophic cardiomyopathy. Last evaluated: 2024-09-17. Review status: criteria provided, single submitter. Criteria: ACMG Guidelines, 2015. Collection method: clinical testing. Allele origin: germline. Inheritance: Autosomal dominant inheritance. Observed: 19 variant alleles, 19 heterozygotes.
Comment: This missense variant replaces glutamic acid with valine at codon 185 of the PRKAG2 protein. Computational prediction suggests that this variant may not impact protein structure and function (internally defined REVEL score threshold <= 0.5, PMID: 27666373). Splice site prediction tools suggest that this variant may not impact RNA splicing. To our knowledge, functional studies have not been performed for this variant. This variant has been reported in an individual affected with cardiovascular disorder (Pottinger et al., 2019) and in an individual affected with sudden unexpected death (PMID: 30878466). This variant has been identified in 11/251486 chromosomes in the general population by the Genome Aggregation Database (gnomAD). The available evidence is insufficient to determine the role of this variant in disease conclusively. Therefore, this variant is classified as a Variant of Uncertain Significance.

This study involves interpretation of variants in research participants for the purpose of population health screening. Participant phenotype was not available at the time of variant classification. Additional details can be found in publication PMID: 35346344, PMCID: PMC8962531

GeneDx
Classification: Uncertain significance. Last evaluated: 2024-03-15. Review status: criteria provided, single submitter. Criteria: GeneDx Variant Classification Process June 2021. Collection method: clinical testing. Allele origin: germline. Affected: yes.
Comment: Reported in individuals with cardiomyopathy, sudden infant death, and a PRKAG2-related phenotype; however, at least three of these individuals harbored variants in other genes (PMID: 30878466, 32646569, 32009526); In silico analysis supports that this missense variant does not alter protein structure/function; This variant is associated with the following publications: (PMID: 32646569, 32009526, 30878466)

Color Diagnostics, LLC DBA Color Health
Classification: Uncertain significance for Cardiomyopathy. Last evaluated: 2024-03-13. Review status: criteria provided, single submitter. Criteria: ACMG Guidelines, 2015. Collection method: clinical testing. Allele origin: germline.
Comment: This missense variant replaces glutamic acid with valine at codon 185 of the PRKAG2 protein. Computational prediction tools indicate that this variant has a neutral impact on protein structure and function. To our knowledge, functional studies have not been reported for this variant. This variant has been reported in three individuals affected with cardiomyopathy (PMID: 32009526, 32646569) and in one individual affected with sudden unexpected death (PMID: 30878466). This variant has been identified in 11/251486 chromosomes in the general population by the Genome Aggregation Database (gnomAD). The available evidence is insufficient to determine the role of this variant in disease conclusively. Therefore, this variant is classified as a Variant of Uncertain Significance.

Laboratory for Molecular Medicine, Mass General Brigham Personalized Medicine
Classification: Uncertain significance. Last evaluated: 2012-10-16. Review status: criteria provided, single submitter. Criteria: LMM Criteria. Collection method: clinical testing. Allele origin: germline. Observed: 1 variant allele.
Comment: The Glu185Val variant in PRKAG2 has not been reported in the literature nor prev iously identified by our laboratory. Computational analyses (biochemical amino a cid properties, conservation, AlignGVGD, PolyPhen2, and SIFT) do not provide str ong support for or against an impact to the protein. Additional information is n eeded to fully assess the clinical significance of the Glu185Val variant.

Literature cited by the submitters: PubMed 30878466 (cited by All of Us Research Program, National Institutes of Health and Color Diagnostics, LLC DBA Color Health); PubMed 32009526 (cited by Color Diagnostics, LLC DBA Color Health); PubMed 32646569 (cited by Color Diagnostics, LLC DBA Color Health).